The following is an entry in ClinVar:

NM_001199107.2(TBC1D24):c.*4479C>T

Gene: TBC1D24 (TBC1 domain family member 24; plus strand). Cytogenetic location: 16p13.3.
Variant type: single nucleotide variant.
Coding change: c.*4479C>T on transcript NM_001199107.2 (MANE Select); 4479 bases downstream of the stop codon, C replaced by T.
Molecular consequence: 3 prime UTR variant.
Genome position (GRCh38, 1-based): chr16:2,505,437, C>T. VCF-style: chr16-2505437-C-T. GRCh37 (hg19) VCF-style: chr16-2555438-C-T.
Other names: c.*4479C>T (NM_020705.3).
Identifiers: ClinVar variation 318706 (VCV000318706.5), dbSNP rs1135527, ClinGen allele CA10648216.

ClinVar aggregate classification (germline): Benign (1 of 4 stars; one submission).

Conditions:
Familial infantile myoclonic epilepsy (FIME). Also called: TBC1D24-Related Familial Infantile Myoclonic Epilepsy (FIME); Epilepsy, Myoclonic, Infantile. Identifiers: Orphanet 352582, MedGen C0917800, MONDO:0011506, OMIM 605021.

Allele frequency attached by ClinVar (database versions not stated): 1000 Genomes Project 30x 0.00765; gnomAD 0.00946 and 0.00965; gnomAD exomes 0.12500; 1000 Genomes Project 0.00779; TOPMed 0.01014.
gnomAD v4.1: 1,480 of 152,218 alleles (0.97%); highest among the groups gnomAD compares: Middle Eastern, 4.1%; 12 homozygotes.

Submission:

Illumina Laboratory Services, Illumina
Classification: Benign for Familial infantile myoclonic epilepsy. Last evaluated: 2018-01-12. Review status: criteria provided, single submitter. Criteria: ICSL Variant Classification Criteria 13 December 2019. Collection method: clinical testing. Allele origin: germline.
Comment: This variant was observed in the ICSL laboratory as part of a predisposition screen in an ostensibly healthy population. It had not been previously curated by ICSL or reported in the Human Gene Mutation Database (HGMD: prior to June 1st, 2018), and was therefore a candidate for classification through an automated scoring system. Utilizing variant allele frequency, disease prevalence and penetrance estimates, and inheritance mode, an automated score was calculated to assess if this variant is too frequent to cause the disease. Based on the score and internal cut-off values, a variant classified as benign is not then subjected to further curation. The score for this variant resulted in a classification of benign for this disease.